The following is an entry in ClinVar:

ClinVar aggregate classification (germline): Uncertain significance (1 of 4 stars; one submission).

Conditions:
Autosomal dominant nocturnal frontal lobe epilepsy 5. Also called: CILIARY DYSKINESIA, PRIMARY, 28, WITHOUT SITUS INVERSUS; CILIARY DYSKINESIA, PRIMARY, 28, WITH SITUS INVERSUS; KCNT1-Related Epilepsy; Epilepsy, nocturnal frontal lobe, 5. Identifiers: Orphanet 98784, MedGen C3554306, MONDO:0014002, OMIM 615005.
Developmental and epileptic encephalopathy, 14 (DEE14). Also called: Early infantile epileptic encephalopathy 14. Identifiers: Orphanet 293181, MedGen C3554195, MONDO:0013989, OMIM 614959.

gnomAD v4.1: 48 of 1,612,316 alleles (0.003%); highest among the groups gnomAD compares: East Asian, 0.0045%; no homozygotes.

Submission:

Labcorp Genetics (formerly Invitae), Labcorp
Classification: Uncertain significance for Autosomal dominant nocturnal frontal lobe epilepsy 5; Developmental and epileptic encephalopathy, 14. Last evaluated: 2025-05-11. Review status: criteria provided, single submitter. Criteria: Invitae Variant Classification Sherloc (09022015). Collection method: clinical testing. Allele origin: germline.
Comment: This sequence change falls in intron 26 of the KCNT1 gene. It does not directly change the encoded amino acid sequence of the KCNT1 protein. It affects a nucleotide within the consensus splice site. This variant is present in population databases (rs199946004, gnomAD 0.006%). This variant has not been reported in the literature in individuals affected with KCNT1-related conditions. Variants that disrupt the consensus splice site are a relatively common cause of aberrant splicing (PMID: 17576681, 9536098). Algorithms developed to predict the effect of sequence changes on RNA splicing suggest that this variant is not likely to affect RNA splicing. In summary, the available evidence is currently insufficient to determine the role of this variant in disease. Therefore, it has been classified as a Variant of Uncertain Significance.

Literature cited by the submitters: PubMed 17576681; PubMed 9536098.

NM_020822.3(KCNT1):c.3028-3C>T

Gene: KCNT1 (potassium sodium-activated channel subfamily T member 1; plus strand). Cytogenetic location: 9q34.3.
Variant type: single nucleotide variant.
Coding change: c.3028-3C>T on transcript NM_020822.3 (MANE Select); 3 bases into the intron before coding-DNA position 3028, C replaced by T.
Molecular consequence: intron variant.
Genome position (GRCh38, 1-based): chr9:135,784,758, C>T. VCF-style: chr9-135784758-C-T. GRCh37 (hg19) VCF-style: chr9-138676604-C-T.
Other names: c.2893-3C>T (NM_001272003.2).
Identifiers: ClinVar variation 4790131 (VCV004790131.1).